The following is an entry in ClinVar:

NM_002529.4(NTRK1):c.1151A>T (p.Glu384Val)

Gene: NTRK1 (neurotrophic receptor tyrosine kinase 1; plus strand). Cytogenetic location: 1q23.1.
Variant type: single nucleotide variant.
Coding change: c.1151A>T on transcript NM_002529.4 (MANE Select); coding-DNA position 1151, A replaced by T.
Protein change: p.Glu384Val; replaces glutamic acid 384 with valine.
Molecular consequence: missense variant.
Genome position (GRCh38, 1-based): chr1:156,873,933, A>T. VCF-style: chr1-156873933-A-T. GRCh37 (hg19) VCF-style: chr1-156843725-A-T.
Other names: c.1061A>T, p.Glu354Val (NM_001007792.1); c.1151A>T, p.Glu384Val (NM_001012331.2); short protein forms E354V, E384V.
Identifiers: ClinVar variation 4773485 (VCV004773485.1).

ClinVar aggregate classification (germline): Uncertain significance (1 of 4 stars; one submission).

Conditions:
Hereditary insensitivity to pain with anhidrosis (CIPA). Also called: INSENSITIVITY TO PAIN, CONGENITAL, WITH ANHIDROSIS; HSAN Type IV; FAMILIAL DYSAUTONOMIA, TYPE II; NTRK1 Congenital Insensitivity to Pain with Anhidrosis; NEUROPATHY, CONGENITAL SENSORY, WITH ANHIDROSIS; hereditary sensory and autonomic neuropathy type 4. Identifiers: Orphanet 642, MedGen C0020074, MONDO:0009746, OMIM 256800.

gnomAD v4.1: 2 of 1,556,862 alleles (0.00013%); no homozygotes.

Submission:

Labcorp Genetics (formerly Invitae), Labcorp
Classification: Uncertain significance for Hereditary insensitivity to pain with anhidrosis. Last evaluated: 2025-07-09. Review status: criteria provided, single submitter. Criteria: Invitae Variant Classification Sherloc (09022015). Collection method: clinical testing. Allele origin: germline.
Comment: This sequence change replaces glutamic acid, which is acidic and polar, with valine, which is neutral and non-polar, at codon 384 of the NTRK1 protein (p.Glu384Val). This variant is not present in population databases (gnomAD no frequency). This variant has not been reported in the literature in individuals affected with NTRK1-related conditions. Invitae Evidence Modeling of protein sequence and biophysical properties (such as structural, functional, and spatial information, amino acid conservation, physicochemical variation, residue mobility, and thermodynamic stability) indicates that this missense variant is not expected to disrupt NTRK1 protein function with a negative predictive value of 95%. In summary, the available evidence is currently insufficient to determine the role of this variant in disease. Therefore, it has been classified as a Variant of Uncertain Significance.